The following is an entry in ClinVar:

ClinVar aggregate classification (germline): Uncertain significance (1 of 4 stars; one submission).

Conditions:
Hereditary cancer-predisposing syndrome. Also called: Hereditary Cancer Syndrome; Neoplastic Syndromes, Hereditary; Tumor predisposition; Hereditary neoplastic syndrome. Identifiers: Orphanet 140162, MedGen C0027672, MeSH D009386, MONDO:0015356.

Submission:

Ambry Genetics
Classification: Uncertain significance for Hereditary cancer-predisposing syndrome. Last evaluated: 2020-08-25. Review status: criteria provided, single submitter. Criteria: Ambry Variant Classification Scheme 2023. Collection method: clinical testing. Allele origin: germline.
Comment: The p.P177L variant (also known as c.530C>T), located in coding exon 6 of the BRCA2 gene, results from a C to T substitution at nucleotide position 530. The proline at codon 177 is replaced by leucine, an amino acid with similar properties. This amino acid position is not well conserved in available vertebrate species. In addition, this alteration is predicted to be tolerated by in silico analysis. Since supporting evidence is limited at this time, the clinical significance of this alteration remains unclear.

Literature cited by the submitters: PubMed 29884841.

NM_000059.4(BRCA2):c.530C>T (p.Pro177Leu)

Gene: BRCA2 (BRCA2 DNA repair associated; plus strand). Cytogenetic location: 13q13.1.
Variant type: single nucleotide variant.
Coding change: c.530C>T on transcript NM_000059.4 (MANE Select); coding-DNA position 530, C replaced by T.
Protein change: p.Pro177Leu; replaces proline 177 with leucine.
Molecular consequence: missense variant.
Genome position (GRCh38, 1-based): chr13:32,326,512, C>T. VCF-style: chr13-32326512-C-T. GRCh37 (hg19) VCF-style: chr13-32900649-C-T.
Other names: c.530C>T, p.Pro177Leu (NM_001406719.1, NM_001406720.1, NM_001406721.1); c.161C>T, p.Pro54Leu (NM_001406722.1); short protein forms P177L, P54L.
Identifiers: ClinVar variation 1746752 (VCV001746752.2), dbSNP rs2137452033, ClinGen allele CA387757814.